The following is an entry in ClinVar:

NM_001378120.1(MBD5):c.884C>G (p.Thr295Ser)

Gene: MBD5 (methyl-CpG binding domain protein 5; plus strand). Cytogenetic location: 2q23.1.
Variant type: single nucleotide variant.
Coding change: c.884C>G on transcript NM_001378120.1 (MANE Select); coding-DNA position 884, C replaced by G.
Protein change: p.Thr295Ser; replaces threonine 295 with serine.
Molecular consequence: missense variant.
Genome position (GRCh38, 1-based): chr2:148,468,827, C>G. VCF-style: chr2-148468827-C-G. GRCh37 (hg19) VCF-style: chr2-149226396-C-G.
Other names: p.T295S:ACT>AGT; c.884C>G, p.Thr295Ser (NM_018328.5); short protein forms T295S.
Identifiers: ClinVar variation 206064 (VCV000206064.21), dbSNP rs368339420, ClinGen allele CA315784.
Genomic context (GRCh38, chr2:148,468,827, plus strand): 5'-CACCTTCAGTAATGCTACATGGTTCTCCTGTACAGTCATCCTGTGCAATGGCTGGAAGGA[C>G]TAATATACCTCTTTCCCCAACCTTGACTACAAAGAGTCCAGTAATGAAAAAACCAATGTG-3'
Protein context (NP_001365049.1, residues 285-305): VQSSCAMAGR[Thr295Ser]NIPLSPTLTT

ClinVar aggregate classification (germline): Conflicting classifications of pathogenicity. Review status: criteria provided, conflicting classifications (1 of 4 stars). 5 submissions from 5 submitters: Uncertain significance (3); Likely benign (2). Last evaluated 2025-09-15.

Conditions:
Inborn genetic diseases. Identifiers: MedGen C0950123, MeSH D030342.
Intellectual developmental disorder, autosomal dominant 1. Also called: Intellectual disability, autosomal dominant 1; MBD5 Haploinsufficiency. Identifiers: Orphanet 228402, MedGen C1969562, MONDO:0007974, OMIM 156200.

Allele frequency attached by ClinVar (database versions not stated): gnomAD exomes 0.00001 and 0.00002; TOPMed 0.00002; ExAC 0.00003; gnomAD 0.00003; ESP Exome Variant Server 0.00008.
gnomAD v4.1: 33 of 1,613,822 alleles (0.002%); highest among the groups gnomAD compares: Non-Finnish European, 0.0026%; no homozygotes.

Submissions (5):

Labcorp Genetics (formerly Invitae), Labcorp
Classification: Likely benign for Intellectual developmental disorder, autosomal dominant 1. Last evaluated: 2025-09-15. Review status: criteria provided, single submitter. Criteria: Invitae Variant Classification Sherloc (09022015). Collection method: clinical testing. Allele origin: germline.

Revvity Omics, Revvity
Classification: Uncertain significance. Last evaluated: 2022-08-11. Review status: criteria provided, single submitter. Criteria: ACMG Guidelines, 2015. Collection method: clinical testing. Allele origin: germline.

Center for Genomics, Ann and Robert H. Lurie Children's Hospital of Chicago
Classification: Uncertain significance for Intellectual developmental disorder, autosomal dominant 1. Last evaluated: 2021-03-30. Review status: criteria provided, single submitter. Criteria: ACMG Guidelines, 2015. Collection method: clinical testing. Allele origin: germline.
Comment: MBD5 NM_018328.4 exon 9 p.Thr295Ser (c.884C>G): This variant has not been reported in the literature but is present in 4/126272 European alleles in the Genome Aggregation Database. This variant is present in ClinVar (Variation ID:206064). Evolutionary conservation and computational predictive tools for this variant are unclear. In summary, data on this variant is insufficient for disease classification. Therefore, the clinical significance of this variant is uncertain.

GeneDx
Classification: Likely benign. Last evaluated: 2019-04-29. Review status: criteria provided, single submitter. Criteria: GeneDx Variant Classification Process June 2021. Collection method: clinical testing. Allele origin: germline. Affected: yes.

Ambry Genetics
Classification: Uncertain significance for Inborn genetic diseases. Last evaluated: 2018-12-03. Review status: criteria provided, single submitter. Criteria: Ambry Variant Classification Scheme 2023. Collection method: clinical testing. Allele origin: germline.
Comment: The p.T295S variant (also known as c.884C>G), located in coding exon 4 of the MBD5 gene, results from a C to G substitution at nucleotide position 884. The threonine at codon 295 is replaced by serine, an amino acid with similar properties. This amino acid position is well conserved in available vertebrate species. In addition, this alteration is predicted to be tolerated by in silico analysis. Since supporting evidence is limited at this time, the clinical significance of this alteration remains unclear.